The following is an entry in ClinVar:

NM_001220.5(CAMK2B):c.1272_1282del (p.Ala425fs)

Gene: CAMK2B (calcium/calmodulin dependent protein kinase II beta; minus strand). Cytogenetic location: 7p13.
Variant type: Deletion.
Coding change: c.1272_1282del on transcript NM_001220.5 (MANE Select); coding-DNA positions 1272 to 1282, 11 bases deleted (AGCCCCAGAAG).
Protein change: p.Ala425fs; shifts the reading frame from alanine 425.
Molecular consequence: frameshift variant. On other transcripts: intron variant (8).
Genome position (GRCh38, 1-based): chr7:44,229,445-44,229,455, CTTCTGGGGCT deleted on the plus strand (AGCCCCAGAAG on the coding strand, the reverse complement: CAMK2B is on the minus strand); deleting any 11 consecutive bases within chr7:44,229,445-44,229,456 gives the same sequence; the c. name uses the placement nearest the transcript's 3' end. VCF-style (leftmost placement, unchanged base first): chr7-44229444-GCTTCTGGGGCT-G. GRCh37 (hg19) VCF-style: chr7-44269043-GCTTCTGGGGCT-G.
Other names: c.947-8554_947-8544del (NM_172084.3); c.1150+1551_1150+1561del (NM_172080.3); c.1036+1551_1036+1561del (NM_172083.3); c.1108+1551_1108+1561del (NM_172081.3); c.1153+1551_1153+1561del (NM_172079.3, NM_172082.3); c.1225+1551_1225+1561del (NM_001293170.2, NM_172078.3); short protein forms A425fs.
Identifiers: ClinVar variation 3680209 (VCV003680209.2).

ClinVar aggregate classification (germline): Uncertain significance (1 of 4 stars; one submission).

Submission:

Labcorp Genetics (formerly Invitae), Labcorp
Classification: Uncertain significance. Last evaluated: 2024-10-16. Review status: criteria provided, single submitter. Criteria: Invitae Variant Classification Sherloc (09022015). Collection method: clinical testing. Allele origin: germline.
Comment: This sequence change creates a premature translational stop signal (p.Ala425Argfs*13) in the CAMK2B gene. It is expected to result in an absent or disrupted protein product. However, the current clinical and genetic evidence is not sufficient to establish whether loss-of-function variants in CAMK2B cause disease. This variant is not present in population databases (gnomAD no frequency). This variant has not been reported in the literature in individuals affected with CAMK2B-related conditions. In summary, the available evidence is currently insufficient to determine the role of this variant in disease. Therefore, it has been classified as a Variant of Uncertain Significance.